The following is an entry in ClinVar:

NM_000540.3(RYR1):c.5336C>T (p.Pro1779Leu)

Gene: RYR1 (ryanodine receptor 1; plus strand). Cytogenetic location: 19q13.2.
Variant type: single nucleotide variant.
Coding change: c.5336C>T on transcript NM_000540.3 (MANE Select); coding-DNA position 5336, C replaced by T.
Protein change: p.Pro1779Leu; replaces proline 1779 with leucine.
Molecular consequence: missense variant.
Genome position (GRCh38, 1-based): chr19:38,485,991, C>T. VCF-style: chr19-38485991-C-T. GRCh37 (hg19) VCF-style: chr19-38976631-C-T.
Other names: c.5336C>T, p.Pro1779Leu (NM_001042723.2); short protein forms P1779L.
Identifiers: ClinVar variation 196883 (VCV000196883.6), dbSNP rs765255811, ClinGen allele CA024511.

ClinVar aggregate classification (germline): Uncertain significance. Review status: criteria provided, multiple submitters, no conflicts (2 of 4 stars). 2 submissions from 2 submitters: Uncertain significance (2). Last evaluated 2023-11-30.

Conditions:
Malignant hyperthermia, susceptibility to, 1 (MHS1). Also called: Anesthesia related hyperthermia; Malignant hyperpyrexia; Fulminating hyperpyrexia; Pharmacogenic myopathy; Malignant hyperthermia suceptibility 1; RYR1-Related Malignant Hyperthermia Susceptibility. Identifiers: Orphanet 423, MedGen C2930980, MONDO:0007783, OMIM 145600.

Allele frequency attached by ClinVar (database versions not stated): gnomAD exomes below 0.00001; gnomAD 0.00001.
gnomAD v4.1: 3 of 1,613,492 alleles (0.00019%); highest among the groups gnomAD compares: East Asian, 0.0022%; no homozygotes.

Submissions (2):

All of Us Research Program, National Institutes of Health
Classification: Uncertain significance for Malignant hyperthermia, susceptibility to, 1. Last evaluated: 2023-11-30. Review status: criteria provided, single submitter. Criteria: ACMG Guidelines, 2015. Collection method: clinical testing. Allele origin: germline. Inheritance: Autosomal dominant inheritance. Observed: 1 variant allele, 1 heterozygote.
Comment: This study involves interpretation of variants in research participants for the purpose of population health screening. Participant phenotype was not available at the time of variant classification. Additional details can be found in publication PMID: 35346344, PMCID: PMC8962531

Eurofins Ntd Llc (ga)
Classification: Uncertain significance. Last evaluated: 2015-04-28. Review status: criteria provided, single submitter. Criteria: EGL Classification Definitions 2015. Collection method: clinical testing. Allele origin: germline. Observed: 1 variant allele, 1 heterozygote.